The following is an entry in ClinVar:

ClinVar aggregate classification (germline): Pathogenic (1 of 4 stars; one submission).

Conditions:
Bardet-Biedl syndrome (BBS). Identifiers: Orphanet 110, MedGen C0752166, MONDO:0015229.

Submission:

Labcorp Genetics (formerly Invitae), Labcorp
Classification: Pathogenic for Bardet-Biedl syndrome. Last evaluated: 2022-06-13. Review status: criteria provided, single submitter. Criteria: Invitae Variant Classification Sherloc (09022015). Collection method: clinical testing. Allele origin: germline.
Comment: This variant is a gross deletion of the genomic region encompassing exon(s) 4 of the BBS4 gene. This deletion is out-of-frame, and is expected to create a premature termination codon and result in an absent or disrupted protein product. Loss-of-function variants in BBS4 are known to be pathogenic (PMID: 11381270, 12016587, 20177705, 27894351). This variant has not been reported in the literature in individuals affected with BBS4-related conditions. For these reasons, this variant has been classified as Pathogenic.

Literature cited by the submitters: PubMed 11381270; PubMed 12016587; PubMed 20177705; PubMed 27894351.

NC_000015.9:g.(?_73004585)_(73004648_?)del

Gene: BBS4 (Bardet-Biedl syndrome 4; plus strand). Cytogenetic location: 15q24.1.
Variant type: Deletion.
Identifiers: ClinVar variation 1076627 (VCV001076627.5).